The following is an entry in ClinVar:

ClinVar aggregate classification (germline): Likely benign (0 of 4 stars; one submission).

Conditions:
SLC6A14-related disorder. Also called: SLC6A14-related condition.

Allele frequency attached by ClinVar (database versions not stated): ESP Exome Variant Server 0.00009; ExAC 0.00019.
gnomAD v4.1: 130 of 867,398 alleles (0.015%); highest among the groups gnomAD compares: Admixed American, 0.048%; no homozygotes.

Submission:

PreventionGenetics, part of Exact Sciences
Classification: Likely benign for SLC6A14-related condition. Last evaluated: 2022-02-22. Review status: no assertion criteria provided. Collection method: clinical testing. Allele origin: germline.
Comment: This variant is classified as likely benign based on ACMG/AMP sequence variant interpretation guidelines (Richards et al. 2015 PMID: 25741868, with internal and published modifications).

NM_007231.5(SLC6A14):c.1286-32A>C

Gene: SLC6A14 (solute carrier family 6 member 14; plus strand). Cytogenetic location: Xq23.
Variant type: single nucleotide variant.
Coding change: c.1286-32A>C on transcript NM_007231.5 (MANE Select); 32 bases into the intron before coding-DNA position 1286, A replaced by C.
Molecular consequence: intron variant.
Genome position (GRCh38, 1-based): chrX:116,454,292, A>C. VCF-style: chrX-116454292-A-C. GRCh37 (hg19) VCF-style: chrX-115585458-A-C.
Identifiers: ClinVar variation 3049383 (VCV003049383.2), dbSNP rs373196599, ClinGen allele CA10497588.